The following is an entry in ClinVar:

NM_001374736.1(DST):c.98TCT[2] (p.Phe35del)

Gene: DST (dystonin; minus strand). Cytogenetic location: 6p12.1.
Variant type: Microsatellite.
Coding change: c.98TCT[2] on transcript NM_001374736.1 (MANE Select); two copies in a row of the 3-base unit TCT starting at c.98; the reference has three copies in a row; one copy, 3 bases deleted.
Protein change: p.Phe35del; deletes phenylalanine 35.
Molecular consequence: inframe deletion.
Genome position (GRCh38, 1-based): chr6:56,954,482-56,954,484, AGA deleted on the plus strand (TCT on the coding strand, the reverse complement: DST is on the minus strand); deleting any 3 consecutive bases within chr6:56,954,482-56,954,490 gives the same sequence; the position shown is the placement nearest the transcript's 3' end. VCF-style (leftmost placement, unchanged base first): chr6-56954481-CAGA-C. GRCh37 (hg19) VCF-style: chr6-56819279-CAGA-C.
Other names: c.98TCT[2], p.Phe35del (NM_001144769.5, NM_001374722.1, NM_001374734.1); short protein forms F35del.
Identifiers: ClinVar variation 1773848 (VCV001773848.2), dbSNP rs777785647, ClinGen allele CA3872070.

ClinVar aggregate classification (germline): Uncertain significance (1 of 4 stars; one submission).

Conditions:
Inborn genetic diseases. Identifiers: MedGen C0950123, MeSH D030342.

Submission:

Ambry Genetics
Classification: Uncertain significance for Inborn genetic diseases. Last evaluated: 2020-12-14. Review status: criteria provided, single submitter. Criteria: Ambry Variant Classification Scheme 2023. Collection method: clinical testing. Allele origin: germline.
Comment: The c.104_106delTCT variant (also known as p.F35del) is located in coding exon 1 of the DST gene. This variant results from an in-frame TCT deletion at nucleotide positions 104 to 106. This results in the in-frame deletion of a phenylalanine at codon 35. This amino acid position is well conserved in available vertebrate species. In addition, this alteration is predicted to be neutral by in silico analysis (Choi Y et al. PLoS ONE. 2012; 7(10):e46688). Since supporting evidence is limited at this time, the clinical significance of this alteration remains unclear.